The following is an entry in ClinVar:

NM_003742.4(ABCB11):c.1369A>G (p.Ser457Gly)

Gene: ABCB11 (ATP binding cassette subfamily B member 11; minus strand). Cytogenetic location: 2q31.1.
Variant type: single nucleotide variant.
Coding change: c.1369A>G on transcript NM_003742.4 (MANE Select); coding-DNA position 1369, A replaced by G.
Protein change: p.Ser457Gly; replaces serine 457 with glycine.
Molecular consequence: missense variant.
Genome position (GRCh38, 1-based): chr2:168,973,780, T>C on the plus strand (A>G on the coding strand, the complement: ABCB11 is on the minus strand). VCF-style: chr2-168973780-T-C. GRCh37 (hg19) VCF-style: chr2-169830290-T-C.
Other names: short protein forms S457G.
Identifiers: ClinVar variation 4886933 (VCV004886933.1).

ClinVar aggregate classification (germline): VUS-high (1 of 4 stars; one submission).

Conditions:
Progressive familial intrahepatic cholestasis type 2. Identifiers: Orphanet 79304, MedGen C3489789, MONDO:0011156, OMIM 601847.

Submission:

Molecular Genetics Laboratory, CHU Lille
Classification: VUS-high for Progressive familial intrahepatic cholestasis type 2. Last evaluated: 2026-08-19. Review status: criteria provided, single submitter. Criteria: ACMG Guidelines, 2015. Collection method: clinical testing. Allele origin: germline. Affected: yes.
Comment: The variant is a missense variant in ABCB11. Furthermore, it is absent from public databases such as gnomAD. Bioinformatic analyses suggest that this variant may impact the protein. In summary, the clinical significance of this variant is uncertain.